The following is an entry in ClinVar:

ClinVar aggregate classification (germline): Uncertain significance. Review status: criteria provided, multiple submitters, no conflicts (2 of 4 stars). 3 submissions from 3 submitters: Uncertain significance (3). Last evaluated 2024-09-10.

Allele frequency attached by ClinVar (database versions not stated): TOPMed 0.00027; gnomAD 0.00029; 1000 Genomes Project 30x 0.00031; ExAC 0.00037; ESP Exome Variant Server 0.00047.
gnomAD v4.1: 809 of 1,604,448 alleles (0.05%); highest among the groups gnomAD compares: Non-Finnish European, 0.067%; no homozygotes.

Submissions (3):

Blueprint Genetics
Classification: Uncertain significance. Last evaluated: 2024-09-10. Review status: criteria provided, single submitter. Criteria: ACMG Guidelines, 2015. Collection method: clinical testing. Allele origin: germline.

GeneDx
Classification: Uncertain significance. Last evaluated: 2024-08-25. Review status: criteria provided, single submitter. Criteria: GeneDx Variant Classification Process June 2021. Collection method: clinical testing. Allele origin: germline. Affected: yes.
Comment: In silico analysis indicates that this missense variant does not alter protein structure/function; Has not been previously published as pathogenic or benign to our knowledge

Labcorp Genetics (formerly Invitae), Labcorp
Classification: Uncertain significance. Last evaluated: 2022-05-04. Review status: criteria provided, single submitter. Criteria: Invitae Variant Classification Sherloc (09022015). Collection method: clinical testing. Allele origin: germline.
Comment: In summary, the available evidence is currently insufficient to determine the role of this variant in disease. Therefore, it has been classified as a Variant of Uncertain Significance. Algorithms developed to predict the effect of missense changes on protein structure and function (SIFT, PolyPhen-2, Align-GVGD) all suggest that this variant is likely to be tolerated. This variant has not been reported in the literature in individuals affected with VARS-related conditions. This variant is present in population databases (rs138258006, gnomAD 0.06%). This sequence change replaces serine, which is neutral and polar, with leucine, which is neutral and non-polar, at codon 124 of the VARS protein (p.Ser124Leu).

NM_006295.3(VARS1):c.371C>T (p.Ser124Leu)

Gene: VARS1 (valyl-tRNA synthetase 1; minus strand). Cytogenetic location: 6p21.33.
Variant type: single nucleotide variant.
Coding change: c.371C>T on transcript NM_006295.3 (MANE Select); coding-DNA position 371, C replaced by T.
Protein change: p.Ser124Leu; replaces serine 124 with leucine.
Molecular consequence: missense variant.
Genome position (GRCh38, 1-based): chr6:31,794,847, G>A on the plus strand (C>T on the coding strand, the complement: VARS1 is on the minus strand). VCF-style: chr6-31794847-G-A. GRCh37 (hg19) VCF-style: chr6-31762624-G-A.
Other names: c.371C>T (NM_006295.2); short protein forms S124L.
Identifiers: ClinVar variation 2076162 (VCV002076162.6), dbSNP rs138258006, ClinGen allele CA3723593.